The following is an entry in ClinVar:

ClinVar aggregate classification (germline): Uncertain significance (1 of 4 stars; one submission).

Submission:

Labcorp Genetics (formerly Invitae), Labcorp
Classification: Uncertain significance. Last evaluated: 2024-12-04. Review status: criteria provided, single submitter. Criteria: Invitae Variant Classification Sherloc (09022015). Collection method: clinical testing. Allele origin: germline.
Comment: This sequence change replaces proline, which is neutral and non-polar, with glutamine, which is neutral and polar, at codon 9 of the IL18BP protein (p.Pro9Gln). This variant is present in population databases (no rsID available, gnomAD 0.008%). This variant has not been reported in the literature in individuals affected with IL18BP-related conditions. An algorithm developed to predict the effect of missense changes on protein structure and function (PolyPhen-2) suggests that this variant is likely to be disruptive. In summary, the available evidence is currently insufficient to determine the role of this variant in disease. Therefore, it has been classified as a Variant of Uncertain Significance.

NM_001039660.2(IL18BP):c.26C>A (p.Pro9Gln)

Gene: IL18BP (interleukin 18 binding protein; plus strand). Cytogenetic location: 11q13.4.
Variant type: single nucleotide variant.
Coding change: c.26C>A on transcript NM_001039660.2 (MANE Select); coding-DNA position 26, C replaced by A.
Protein change: p.Pro9Gln; replaces proline 9 with glutamine.
Molecular consequence: missense variant.
Genome position (GRCh38, 1-based): chr11:72,000,010, C>A. VCF-style: chr11-72000010-C-A. GRCh37 (hg19) VCF-style: chr11-71711056-C-A.
Other names: c.26C>A, p.Pro9Gln (NM_001039659.2, NM_001145055.1, NM_001145057.1 and 3 more transcripts); short protein forms P9Q.
Identifiers: ClinVar variation 3726638 (VCV003726638.2).